The following is an entry in ClinVar:

ClinVar aggregate classification (germline): Likely pathogenic (0 of 4 stars; one submission).

Conditions:
GRIA1-related disorder. Also called: GRIA1-related condition.

Submission:

PreventionGenetics, part of Exact Sciences
Classification: Likely pathogenic for GRIA1-related condition. Last evaluated: 2023-11-12. Review status: no assertion criteria provided. Collection method: clinical testing. Allele origin: germline.
Comment: The GRIA1 c.848G>A variant is predicted to result in premature protein termination (p.Trp283*). To our knowledge, this variant has not been reported in the literature or in a large population database, indicating this variant is rare. One nonsense variant in GRIA1 has been reported in the homozygous state in an individual with global developmental delay, severely impaired intellectual development, absent speech, sleep disturbances, feeding difficulties necessitating a feeding tube, toe walking, self-injurious behavior and seizures (Ismail et al. 2022. PubMed ID: 3567825). This variant is interpreted as likely pathogenic.

NM_000827.4(GRIA1):c.848G>A (p.Trp283Ter)

Gene: GRIA1 (glutamate ionotropic receptor AMPA type subunit 1; plus strand). Cytogenetic location: 5q33.2.
Variant type: single nucleotide variant.
Coding change: c.848G>A on transcript NM_000827.4 (MANE Select); coding-DNA position 848, G replaced by A.
Protein change: p.Trp283Ter; replaces tryptophan 283 with a stop codon.
Molecular consequence: nonsense. On other transcripts: non-coding transcript variant (2).
Genome position (GRCh38, 1-based): chr5:153,674,648, G>A. VCF-style: chr5-153674648-G-A. GRCh37 (hg19) VCF-style: chr5-153054208-G-A.
Other names: c.848G>A, p.Trp283Ter (NM_001114183.2, NM_001364165.2); c.608G>A, p.Trp203Ter (NM_001258019.2); c.563G>A, p.Trp188Ter (NM_001258020.2); c.878G>A, p.Trp293Ter (NM_001258021.2, NM_001258022.2); c.641G>A, p.Trp214Ter (NM_001258023.1, NM_001364167.2); c.875G>A, p.Trp292Ter (NM_001364166.2); short protein forms W188*, W203*, W214*, W283*, W292*, W293*.
Identifiers: ClinVar variation 3037836 (VCV003037836.2), dbSNP rs2480235236, ClinGen allele CA361901727.